The following is an entry in ClinVar:

NM_001365999.1(SZT2):c.6317G>A (p.Arg2106Gln)

Gene: SZT2 (SZT2 subunit of KICSTOR complex; plus strand). Cytogenetic location: 1p34.2.
Variant type: single nucleotide variant.
Coding change: c.6317G>A on transcript NM_001365999.1 (MANE Select); coding-DNA position 6317, G replaced by A.
Protein change: p.Arg2106Gln; replaces arginine 2106 with glutamine.
Molecular consequence: missense variant.
Genome position (GRCh38, 1-based): chr1:43,437,621, G>A. VCF-style: chr1-43437621-G-A. GRCh37 (hg19) VCF-style: chr1-43903292-G-A.
Other names: c.6146G>A, p.Arg2049Gln (NM_015284.4); short protein forms R2049Q, R2106Q.
Identifiers: ClinVar variation 641600 (VCV000641600.8), dbSNP rs1016066439, ClinGen allele CA21643447.

ClinVar aggregate classification (germline): Uncertain significance (1 of 4 stars; one submission).

Allele frequency attached by ClinVar (database versions not stated): gnomAD exomes 0.00001; gnomAD 0.00002; TOPMed 0.00004.
gnomAD v4.1: 16 of 1,613,926 alleles (0.00099%); highest among the groups gnomAD compares: African/African-American, 0.011%; no homozygotes.

Submission:

Labcorp Genetics (formerly Invitae), Labcorp
Classification: Uncertain significance. Last evaluated: 2022-07-30. Review status: criteria provided, single submitter. Criteria: Invitae Variant Classification Sherloc (09022015). Collection method: clinical testing. Allele origin: germline.
Comment: This sequence change replaces arginine, which is basic and polar, with glutamine, which is neutral and polar, at codon 2049 of the SZT2 protein (p.Arg2049Gln). This variant is present in population databases (no rsID available, gnomAD 0.02%). This variant has not been reported in the literature in individuals affected with SZT2-related conditions. ClinVar contains an entry for this variant (Variation ID: 641600). Algorithms developed to predict the effect of missense changes on protein structure and function are either unavailable or do not agree on the potential impact of this missense change (SIFT: "Deleterious"; PolyPhen-2: "Possibly Damaging"; Align-GVGD: "Class C0"). In summary, the available evidence is currently insufficient to determine the role of this variant in disease. Therefore, it has been classified as a Variant of Uncertain Significance.